The following is an entry in ClinVar:

NM_000322.5(PRPH2):c.*1565G>A

Gene: PRPH2 (peripherin 2; minus strand). Cytogenetic location: 6p21.1.
Variant type: single nucleotide variant.
Coding change: c.*1565G>A on transcript NM_000322.5 (MANE Select); 1565 bases downstream of the stop codon, G replaced by A.
Molecular consequence: 3 prime UTR variant.
Genome position (GRCh38, 1-based): chr6:42,696,730, C>T on the plus strand (G>A on the coding strand, the complement: PRPH2 is on the minus strand). VCF-style: chr6-42696730-C-T. GRCh37 (hg19) VCF-style: chr6-42664468-C-T.
Identifiers: ClinVar variation 356745 (VCV000356745.32), dbSNP rs41273818, ClinGen allele CA10626750.

ClinVar aggregate classification (germline): Conflicting classifications of pathogenicity. Review status: criteria provided, conflicting classifications (1 of 4 stars). 7 submissions from 2 submitters: Uncertain significance (2); Benign (4); Likely benign (1). Last evaluated 2023-04-01.

Conditions:
Cone-rod dystrophy. Also called: Cone/cone-rod dystrophy; Cone-rod degeneration. Identifiers: Orphanet 1872, MedGen C4085590, MONDO:0015993, HP:0000548.
Choroidal dystrophy, central areolar 2 (CACD2). Also called: Choriodal Dystrophy, Central Areolar 2; MACULAR DYSTROPHY, PROGRESSIVE. Identifiers: Orphanet 75377, MedGen C2751290, MONDO:0013137, OMIM 613105.
Pigmentary retinal dystrophy. Also called: Fundus albipunctatus. Identifiers: Orphanet 227796, Orphanet 52427, MedGen C0311338, MONDO:0007639, OMIM 136880, HP:0030642.
Adult-onset foveomacular vitelliform dystrophy. Also called: FOVEOMACULAR DYSTROPHY, ADULT-ONSET; Adult onset vitelliform dystrophy; FOVEOMACULAR DYSTROPHY, ADULT-ONSET, WITH OR WITHOUT CHOROIDAL NEOVASCULARIZATION. Identifiers: Orphanet 99000, MedGen C1842914, MONDO:0011979.
Retinitis pigmentosa (RP). Identifiers: Orphanet 791, MedGen C0035334, MeSH D012174, MONDO:0019200, OMIM 268000. Inheritance: Autosomal dominant, autosomal recessive and X linked inheritance.
Patterned macular dystrophy 1. Also called: MACULAR DYSTROPHY, BUTTERFLY-SHAPED PIGMENTARY; BUTTERFLY DYSTROPHY OF RETINAL PIGMENT EPITHELIUM. Identifiers: Orphanet 99001, MedGen C4551999, MONDO:0008210, OMIM 169150.

Allele frequency attached by ClinVar (database versions not stated): 1000 Genomes Project 30x 0.00219; 1000 Genomes Project 0.00240; TOPMed 0.00668; gnomAD 0.00875 and 0.00908.

Submissions (7):

CeGaT Center for Human Genetics Tuebingen
Classification: Benign. Last evaluated: 2023-04-01. Review status: criteria provided, single submitter. Criteria: CeGaT Center For Human Genetics Tuebingen Variant Classification Criteria Version 2. Collection method: clinical testing. Allele origin: germline. Affected: yes. Observed: 1 variant allele.
Comment: PRPH2: BS1, BS2

Illumina Laboratory Services, Illumina
Classification: Likely benign for Retinitis pigmentosa. Last evaluated: 2018-01-13. Review status: criteria provided, single submitter. Criteria: ICSL Variant Classification Criteria 13 December 2019. Collection method: clinical testing. Allele origin: germline.
Comment: This variant was observed in the ICSL laboratory as part of a predisposition screen in an ostensibly healthy population. It had not been previously curated by ICSL or reported in the Human Gene Mutation Database (HGMD: prior to June 1st, 2018), and was therefore a candidate for classification through an automated scoring system. Utilizing variant allele frequency, disease prevalence and penetrance estimates, and inheritance mode, an automated score was calculated to assess if this variant is too frequent to cause the disease. Based on the score and internal cut-off values, a variant classified as likely benign is not then subjected to further curation. The score for this variant resulted in a classification of likely benign for this disease.

Illumina Laboratory Services, Illumina
Classification: Uncertain significance for Pigmentary retinal dystrophy. Last evaluated: 2018-01-13. Review status: criteria provided, single submitter. Criteria: ICSL Variant Classification Criteria 13 December 2019. Collection method: clinical testing. Allele origin: germline.

Illumina Laboratory Services, Illumina
Classification: Benign for Vitelliform macular dystrophy 3. Last evaluated: 2018-01-13. Review status: criteria provided, single submitter. Criteria: ICSL Variant Classification Criteria 13 December 2019. Collection method: clinical testing. Allele origin: germline.
Comment: This variant was observed in the ICSL laboratory as part of a predisposition screen in an ostensibly healthy population. It had not been previously curated by ICSL or reported in the Human Gene Mutation Database (HGMD: prior to June 1st, 2018), and was therefore a candidate for classification through an automated scoring system. Utilizing variant allele frequency, disease prevalence and penetrance estimates, and inheritance mode, an automated score was calculated to assess if this variant is too frequent to cause the disease. Based on the score and internal cut-off values, a variant classified as benign is not then subjected to further curation. The score for this variant resulted in a classification of benign for this disease.

Illumina Laboratory Services, Illumina
Classification: Benign for Choroidal dystrophy, central areolar 2. Last evaluated: 2018-01-13. Review status: criteria provided, single submitter. Criteria: ICSL Variant Classification Criteria 13 December 2019. Collection method: clinical testing. Allele origin: germline.
Comment: the same text as in the submission from Illumina Laboratory Services, Illumina above.

Illumina Laboratory Services, Illumina
Classification: Uncertain significance for Patterned macular dystrophy 1. Last evaluated: 2018-01-13. Review status: criteria provided, single submitter. Criteria: ICSL Variant Classification Criteria 13 December 2019. Collection method: clinical testing. Allele origin: germline.

Illumina Laboratory Services, Illumina
Classification: Benign for Cone-rod dystrophy. Last evaluated: 2018-01-13. Review status: criteria provided, single submitter. Criteria: ICSL Variant Classification Criteria 13 December 2019. Collection method: clinical testing. Allele origin: germline.
Comment: the same text as in the submission from Illumina Laboratory Services, Illumina above.